The following is an entry in ClinVar:

ClinVar aggregate classification (germline): Likely benign. Review status: criteria provided, multiple submitters, no conflicts (2 of 4 stars). 4 submissions from 4 submitters: Likely benign (3). 1 of the submissions does not count toward it. Last evaluated 2025-12-24.

Conditions:
LRPPRC-related disorder. Also called: LRPPRC-related condition.

Allele frequency attached by ClinVar (database versions not stated): gnomAD exomes 0.00002 and 0.00005; ExAC 0.00006; ESP Exome Variant Server 0.00015; 1000 Genomes Project 30x 0.00016; gnomAD 0.00017 and 0.00019; 1000 Genomes Project 0.00020; TOPMed 0.00020.
gnomAD v4.1: 53 of 1,611,298 alleles (0.0033%); highest among the groups gnomAD compares: African/African-American, 0.063%; no homozygotes.

Submissions (4):

Labcorp Genetics (formerly Invitae), Labcorp
Classification: Likely benign. Last evaluated: 2025-12-24. Review status: criteria provided, single submitter. Criteria: Invitae Variant Classification Sherloc (09022015). Collection method: clinical testing. Allele origin: germline.

Blueprint Genetics
Classification: Likely benign. Last evaluated: 2021-04-09. Review status: criteria provided, single submitter. Criteria: ACMG Guidelines, 2015. Collection method: clinical testing. Allele origin: germline.

GeneDx
Classification: Likely benign. Last evaluated: 2021-01-13. Review status: criteria provided, single submitter. Criteria: GeneDx Variant Classification Process June 2021. Collection method: clinical testing. Allele origin: germline. Affected: yes.

PreventionGenetics, part of Exact Sciences
Classification: Likely benign for LRPPRC-related condition. Last evaluated: 2019-03-22. Review status: no assertion criteria provided. Collection method: clinical testing. Allele origin: germline. Not counted in ClinVar's aggregate classification.
Comment: This variant is classified as likely benign based on ACMG/AMP sequence variant interpretation guidelines (Richards et al. 2015 PMID: 25741868, with internal and published modifications).

NM_133259.4(LRPPRC):c.738-9A>T

Gene: LRPPRC (leucine rich pentatricopeptide repeat containing; minus strand). Cytogenetic location: 2p21.
Variant type: single nucleotide variant.
Coding change: c.738-9A>T on transcript NM_133259.4 (MANE Select); 9 bases into the intron before coding-DNA position 738, A replaced by T.
Molecular consequence: intron variant.
Genome position (GRCh38, 1-based): chr2:43,975,226, T>A on the plus strand (A>T on the coding strand, the complement: LRPPRC is on the minus strand). VCF-style: chr2-43975226-T-A. GRCh37 (hg19) VCF-style: chr2-44202365-T-A.
Other names: c.738-9A>T (NM_133259.3).
Identifiers: ClinVar variation 1138025 (VCV001138025.14), dbSNP rs201985435, ClinGen allele CA1639218.